The following is an entry in ClinVar:

ClinVar aggregate classification (germline): Uncertain significance. Review status: criteria provided, single submitter (1 of 4 stars). 2 submissions from 2 submitters: Uncertain significance (1). 1 of the submissions does not count toward it. Last evaluated 2021-09-15.

Conditions:
Tay-Sachs disease (TSD). Also called: HEXA DEFICIENCY; Hexosaminidase A Deficiency; HEXA Disorders; GM2 gangliosidosis, type 1; Hexosaminidase alpha-subunit deficiency (variant B); Sphingolipidosis, Tay-Sachs. Identifiers: Orphanet 845, MedGen C0039373, MONDO:0010100, OMIM 272800.

Allele frequency attached by ClinVar (database versions not stated): gnomAD exomes below 0.00001; gnomAD 0.00001.
gnomAD v4.1: 3 of 1,614,130 alleles (0.00019%); highest among the groups gnomAD compares: Non-Finnish European, 0.00025%; no homozygotes.

Submissions (2):

Labcorp Genetics (formerly Invitae), Labcorp
Classification: Uncertain significance for Tay-Sachs disease. Last evaluated: 2021-09-15. Review status: criteria provided, single submitter. Criteria: Invitae Variant Classification Sherloc (09022015). Collection method: clinical testing. Allele origin: germline.
Comment: This sequence change replaces aspartic acid with glutamic acid at codon 492 of the HEXA protein (p.Asp492Glu). The aspartic acid residue is weakly conserved and there is a small physicochemical difference between aspartic acid and glutamic acid. This variant is not present in population databases (ExAC no frequency). This variant has not been reported in the literature in individuals affected with HEXA-related conditions. Algorithms developed to predict the effect of missense changes on protein structure and function (SIFT, PolyPhen-2, Align-GVGD) all suggest that this variant is likely to be tolerated. In summary, the available evidence is currently insufficient to determine the role of this variant in disease. Therefore, it has been classified as a Variant of Uncertain Significance.

Natera, Inc.
Classification: Uncertain significance for Tay-Sachs disease. Last evaluated: 2020-08-03. Review status: no assertion criteria provided. Collection method: clinical testing. Allele origin: germline. Not counted in ClinVar's aggregate classification.

NM_000520.6(HEXA):c.1476C>G (p.Asp492Glu)

Gene: HEXA (hexosaminidase subunit alpha; minus strand). Cytogenetic location: 15q23.
Variant type: single nucleotide variant.
Coding change: c.1476C>G on transcript NM_000520.6 (MANE Select); coding-DNA position 1476, C replaced by G.
Protein change: p.Asp492Glu; replaces aspartic acid 492 with glutamic acid.
Molecular consequence: missense variant. On other transcripts: non-coding transcript variant (1).
Genome position (GRCh38, 1-based): chr15:72,345,496, G>C on the plus strand (C>G on the coding strand, the complement: HEXA is on the minus strand). VCF-style: chr15-72345496-G-C. GRCh37 (hg19) VCF-style: chr15-72637837-G-C.
Other names: c.1509C>G, p.Asp503Glu (NM_001318825.2); short protein forms D492E, D503E.
Identifiers: ClinVar variation 656465 (VCV000656465.7), dbSNP rs1185080097, ClinGen allele CA393058703.
Genomic context (GRCh38, chr15:72,345,496, plus strand): 5'-GCTTGCTTACCTCAGCAATTCACAGCGGAAGTGTGACAAACGTTCATAGGCAAATGTCAG[G>C]TCAGATGTCAACTTGTTGCTCCACAGCCTTTCGGCAACAGCCCCTGCTCTGGGCCTGGAG-3'
Protein context (NP_000511.2, residues 482-502): ERLWSNKLTS[Asp492Glu]LTFAYERLSH